The following is an entry in ClinVar:

NM_002292.4(LAMB2):c.2505C>T (p.His835=)

Genes: LAMB2 (laminin subunit beta 2; minus strand), LOC129936738 (ATAC-STARR-seq lymphoblastoid active region 19855; plus strand). Cytogenetic location: 3p21.31.
Variant type: single nucleotide variant.
Coding change: c.2505C>T on transcript NM_002292.4 (MANE Select); coding-DNA position 2505, C replaced by T.
Protein change: p.His835=; no amino-acid change (histidine 835 retained).
Molecular consequence: synonymous variant.
Genome position (GRCh38, 1-based): chr3:49,125,468, G>A on the plus strand (C>T on the coding strand, the complement: LAMB2 is on the minus strand). VCF-style: chr3-49125468-G-A. GRCh37 (hg19) VCF-style: chr3-49162901-G-A.
Identifiers: ClinVar variation 705972 (VCV000705972.10), dbSNP rs752783113, ClinGen allele CA2394280.

ClinVar aggregate classification (germline): Benign/Likely benign. Review status: criteria provided, multiple submitters, no conflicts (2 of 4 stars). 3 submissions from 3 submitters: Benign (1); Likely benign (1). 1 of the submissions does not count toward it. Last evaluated 2025-05-07.

Conditions:
Pierson syndrome. Also called: MICROCORIA-CONGENITAL NEPHROTIC SYNDROME. Identifiers: Orphanet 2670, MedGen C1836876, MONDO:0012184, OMIM 609049.
LAMB2-related infantile-onset nephrotic syndrome. Also called: Nephrotic Syndrome, type 5; NEPHROTIC SYNDROME, TYPE 5, WITHOUT OCULAR ABNORMALITIES; NEPHROTIC SYNDROME, TYPE 5, WITH OCULAR ABNORMALITIES. Identifiers: Orphanet 306507, MedGen C3280113, MONDO:0013621, OMIM 614199.
LAMB2-related disorder. Also called: LAMB2-related condition.

Allele frequency attached by ClinVar (database versions not stated): gnomAD 0.00009; TOPMed 0.00013; gnomAD exomes 0.00019; ExAC 0.00026.
gnomAD v4.1: 63 of 1,603,486 alleles (0.0039%); highest among the groups gnomAD compares: Admixed American, 0.081%; no homozygotes.

Submissions (3):

Labcorp Genetics (formerly Invitae), Labcorp
Classification: Benign for LAMB2-related infantile-onset nephrotic syndrome; Pierson syndrome. Last evaluated: 2025-05-07. Review status: criteria provided, single submitter. Criteria: Invitae Variant Classification Sherloc (09022015). Collection method: clinical testing. Allele origin: germline.

Fulgent Genetics
Classification: Likely benign for Pierson syndrome; LAMB2-related infantile-onset nephrotic syndrome. Last evaluated: 2021-11-29. Review status: criteria provided, single submitter. Criteria: ACMG Guidelines, 2015. Collection method: clinical testing. Allele origin: unknown.

PreventionGenetics, part of Exact Sciences
Classification: Likely benign for LAMB2-related condition. Last evaluated: 2021-09-09. Review status: no assertion criteria provided. Collection method: clinical testing. Allele origin: germline. Not counted in ClinVar's aggregate classification.
Comment: This variant is classified as likely benign based on ACMG/AMP sequence variant interpretation guidelines (Richards et al. 2015 PMID: 25741868, with internal and published modifications).